The following is an entry in ClinVar:

ClinVar aggregate classification (germline): Uncertain significance. Review status: criteria provided, multiple submitters, no conflicts (2 of 4 stars). 3 submissions from 3 submitters: Uncertain significance (2). 1 of the submissions does not count toward it. Last evaluated 2024-02-06.

Conditions:
Autosomal recessive limb-girdle muscular dystrophy type 2D (LGMDR3). Also called: DUCHENNE-LIKE AUTOSOMAL RECESSIVE MUSCULAR DYSTROPHY, TYPE 2; MUSCULAR DYSTROPHY, LIMB-GIRDLE, AUTOSOMAL RECESSIVE 3; ADHALINOPATHY, PRIMARY. Identifiers: Orphanet 62, MedGen C2936332, MONDO:0011968, OMIM 608099. Disease mechanism: Affects gamma-sarcoglycan and also disrupts the integrity of the entire sarcoglycan complex..

Allele frequency attached by ClinVar (database versions not stated): gnomAD 0.00001; TOPMed 0.00001; gnomAD exomes 0.00003.
gnomAD v4.1: 40 of 1,614,026 alleles (0.0025%); highest among the groups gnomAD compares: Non-Finnish European, 0.0031%; no homozygotes.

Submissions (3):

Labcorp Genetics (formerly Invitae), Labcorp
Classification: Uncertain significance for Autosomal recessive limb-girdle muscular dystrophy type 2D. Last evaluated: 2024-02-06. Review status: criteria provided, single submitter. Criteria: Invitae Variant Classification Sherloc (09022015). Collection method: clinical testing. Allele origin: germline.
Comment: This sequence change replaces glutamic acid, which is acidic and polar, with lysine, which is basic and polar, at codon 22 of the SGCA protein (p.Glu22Lys). This variant is present in population databases (rs753784732, gnomAD 0.06%). This variant has not been reported in the literature in individuals affected with SGCA-related conditions. ClinVar contains an entry for this variant (Variation ID: 966718). Advanced modeling of protein sequence and biophysical properties (such as structural, functional, and spatial information, amino acid conservation, physicochemical variation, residue mobility, and thermodynamic stability) performed at Invitae indicates that this missense variant is not expected to disrupt SGCA protein function with a negative predictive value of 95%. In summary, the available evidence is currently insufficient to determine the role of this variant in disease. Therefore, it has been classified as a Variant of Uncertain Significance.

Revvity Omics, Revvity
Classification: Uncertain significance for Autosomal recessive limb-girdle muscular dystrophy type 2D. Last evaluated: 2023-11-30. Review status: criteria provided, single submitter. Criteria: ACMG Guidelines, 2015. Collection method: clinical testing. Allele origin: germline.

Natera, Inc.
Classification: Uncertain significance for Limb-girdle muscular dystrophy type 2D. Last evaluated: 2020-03-25. Review status: no assertion criteria provided. Collection method: clinical testing. Allele origin: germline. Not counted in ClinVar's aggregate classification.

NM_000023.4(SGCA):c.64G>A (p.Glu22Lys)

Gene: SGCA (sarcoglycan alpha; plus strand). Cytogenetic location: 17q21.33.
Variant type: single nucleotide variant.
Coding change: c.64G>A on transcript NM_000023.4 (MANE Select); coding-DNA position 64, G replaced by A.
Protein change: p.Glu22Lys; replaces glutamic acid 22 with lysine.
Molecular consequence: missense variant. On other transcripts: non-coding transcript variant (1).
Genome position (GRCh38, 1-based): chr17:50,167,394, G>A. VCF-style: chr17-50167394-G-A. GRCh37 (hg19) VCF-style: chr17-48244755-G-A.
Other names: c.64G>A, p.Glu22Lys (NM_001135697.3); short protein forms E22K.
Identifiers: ClinVar variation 966718 (VCV000966718.9), dbSNP rs753784732, ClinGen allele CA291535971.